The following is an entry in ClinVar:

ClinVar aggregate classification (germline): Uncertain significance (1 of 4 stars; one submission).

Submission:

Labcorp Genetics (formerly Invitae), Labcorp
Classification: Uncertain significance. Last evaluated: 2022-06-13. Review status: criteria provided, single submitter. Criteria: Invitae Variant Classification Sherloc (09022015). Collection method: clinical testing. Allele origin: germline.
Comment: In summary, the available evidence is currently insufficient to determine the role of this variant in disease. Therefore, it has been classified as a Variant of Uncertain Significance. Algorithms developed to predict the effect of missense changes on protein structure and function (SIFT, PolyPhen-2, Align-GVGD) all suggest that this variant is likely to be tolerated. This variant has not been reported in the literature in individuals affected with DTHD1-related conditions. This variant is not present in population databases (gnomAD no frequency). This sequence change replaces glutamic acid, which is acidic and polar, with lysine, which is basic and polar, at codon 594 of the DTHD1 protein (p.Glu594Lys).

NM_001170700.3(DTHD1):c.2650G>A (p.Glu884Lys)

Gene: DTHD1 (death domain containing 1; plus strand). Cytogenetic location: 4p14.
Variant type: single nucleotide variant.
Coding change: c.2650G>A on transcript NM_001170700.3 (MANE Select); coding-DNA position 2650, G replaced by A.
Protein change: p.Glu884Lys; replaces glutamic acid 884 with lysine.
Molecular consequence: missense variant. On other transcripts: synonymous variant (1), non-coding transcript variant (2).
Genome position (GRCh38, 1-based): chr4:36,343,753, G>A. VCF-style: chr4-36343753-G-A. GRCh37 (hg19) VCF-style: chr4-36345375-G-A.
Other names: c.1780G>A, p.Glu594Lys (NM_001136536.5); c.1659G>A, p.Lys553= (NM_001378435.1); short protein forms E594K, E884K.
Identifiers: ClinVar variation 2005398 (VCV002005398.4), dbSNP rs767373613, ClinGen allele CA356682554.